The following is an entry in ClinVar:

NM_006950.3(SYN1):c.1055+21_1055+23del

Gene: SYN1 (synapsin I; minus strand). Cytogenetic location: Xp11.3.
Variant type: Deletion.
Coding change: c.1055+21_1055+23del on transcript NM_006950.3 (MANE Select); bases 21 to 23 of the intron after coding-DNA position 1055, 3 bases deleted (GTG; older notation c.1055+21_1055+23delGTG).
Molecular consequence: intron variant.
Genome position (GRCh38, 1-based): chrX:47,576,309-47,576,311, CAC deleted on the plus strand (GTG on the coding strand, the reverse complement: SYN1 is on the minus strand); deleting any 3 consecutive bases within chrX:47,576,309-47,576,312 gives the same sequence; the c. name uses the placement nearest the transcript's 3' end. VCF-style (leftmost placement, unchanged base first): chrX-47576308-ACAC-A. GRCh37 (hg19) VCF-style: chrX-47435707-ACAC-A.
Other names: c.1055+21_1055+23del (NM_133499.2); c.1055+21_1055+23delGTG (NM_006950.3).
Identifiers: ClinVar variation 3357652 (VCV003357652.1).

ClinVar aggregate classification (germline): Uncertain significance (0 of 4 stars; one submission).

Conditions:
SYN1-related disorder. Also called: SYN1-related condition; SYN1-Related Disorders.

Submission:

PreventionGenetics, part of Exact Sciences
Classification: Uncertain significance for SYN1-related condition. Last evaluated: 2024-05-27. Review status: no assertion criteria provided. Collection method: clinical testing. Allele origin: germline.
Comment: The SYN1 c.1055+21_1055+23delGTG variant is predicted to result in an intronic deletion. To our knowledge, this variant has not been reported in the literature. This variant is reported in 0.0013% of alleles in individuals of European (Non-Finnish) descent in gnomAD. At this time, the clinical significance of this variant is uncertain due to the absence of conclusive functional and genetic evidence.